The following is an entry in ClinVar:

NM_000170.3(GLDC):c.209C>A (p.Pro70His)

Gene: GLDC (glycine decarboxylase; minus strand). Cytogenetic location: 9p24.1.
Variant type: single nucleotide variant.
Coding change: c.209C>A on transcript NM_000170.3 (MANE Select); coding-DNA position 209, C replaced by A.
Protein change: p.Pro70His; replaces proline 70 with histidine.
Molecular consequence: missense variant.
Genome position (GRCh38, 1-based): chr9:6,645,291, G>T on the plus strand (C>A on the coding strand, the complement: GLDC is on the minus strand). VCF-style: chr9-6645291-G-T. GRCh37 (hg19) VCF-style: chr9-6645291-G-T.
Other names: short protein forms P70H.
Identifiers: ClinVar variation 836207 (VCV000836207.1), dbSNP rs776730073, ClinGen allele CA372886477.

ClinVar aggregate classification (germline): Uncertain significance (1 of 4 stars; one submission).

Conditions:
Glycine encephalopathy. Also called: Nonketotic hyperglycinemia; Non-ketotic hyperglycinemia. Identifiers: Orphanet 407, MedGen C0751748, MONDO:0011612, HP:0008288.

Submission:

Labcorp Genetics (formerly Invitae), Labcorp
Classification: Uncertain significance for Non-ketotic hyperglycinemia. Last evaluated: 2019-02-25. Review status: criteria provided, single submitter. Criteria: Invitae Variant Classification Sherloc (09022015). Collection method: clinical testing. Allele origin: germline.
Comment: This sequence change replaces proline with histidine at codon 70 of the GLDC protein (p.Pro70His). The proline residue is highly conserved and there is a moderate physicochemical difference between proline and histidine. This variant is not present in population databases (ExAC no frequency). Algorithms developed to predict the effect of missense changes on protein structure and function are either unavailable or do not agree on the potential impact of this missense change (SIFT: "Deleterious"; PolyPhen-2: "Probably Damaging"; Align-GVGD: "Class C0"). This variant disrupts the p.Pro70 amino acid residue in GLDC. Other variant(s) that disrupt this residue have been observed in individuals with GLDC-related conditions (PMID: 27362913, Invitae), which suggests that this may be a clinically significant amino acid residue. In summary, the available evidence is currently insufficient to determine the role of this variant in disease. Therefore, it has been classified as a Variant of Uncertain Significance.

Literature cited by the submitters: PubMed 27362913.